The following is an entry in ClinVar:

ClinVar aggregate classification (germline): Uncertain significance (1 of 4 stars; one submission).

Conditions:
Developmental and epileptic encephalopathy, 1 (DEE1). Also called: X-linked infantile spasms; West's syndrome; Tonic spasms with clustering, arrest of psychomotor development and hypsarrhythmia on EEG; X-Linked Infantile Spasm Syndrome; OHTAHARA SYNDROME, X-LINKED; INFANTILE SPASM SYNDROME, X-LINKED 1. Identifiers: MedGen C3463992, MONDO:0010632, OMIM 308350. Disease mechanism: loss of function.
Autosomal dominant nonsyndromic hearing loss 65. Also called: Deafness, autosomal dominant 65; TBC1D24-Related Autosomal Dominant Nonsyndromic Hearing Loss (DFNA). Identifiers: Orphanet 90635, MedGen C3892048, MONDO:0014470, OMIM 616044.

Allele frequency attached by ClinVar (database versions not stated): gnomAD exomes 0.00001; ExAC 0.00002.
gnomAD v4.1: 10 of 1,613,118 alleles (0.00062%); highest among the groups gnomAD compares: Admixed American, 0.0017%; no homozygotes.

Submission:

Labcorp Genetics (formerly Invitae), Labcorp
Classification: Uncertain significance for Developmental and epileptic encephalopathy, 1; Autosomal dominant nonsyndromic hearing loss 65. Last evaluated: 2022-11-16. Review status: criteria provided, single submitter. Criteria: Invitae Variant Classification Sherloc (09022015). Collection method: clinical testing. Allele origin: germline.
Comment: In summary, the available evidence is currently insufficient to determine the role of this variant in disease. Therefore, it has been classified as a Variant of Uncertain Significance. Advanced modeling of protein sequence and biophysical properties (such as structural, functional, and spatial information, amino acid conservation, physicochemical variation, residue mobility, and thermodynamic stability) performed at Invitae indicates that this missense variant is not expected to disrupt TBC1D24 protein function. This variant has not been reported in the literature in individuals affected with TBC1D24-related conditions. This variant is present in population databases (rs758431838, gnomAD 0.01%). This sequence change replaces asparagine, which is neutral and polar, with serine, which is neutral and polar, at codon 534 of the TBC1D24 protein (p.Asn534Ser).

NM_001199107.2(TBC1D24):c.1601A>G (p.Asn534Ser)

Gene: TBC1D24 (TBC1 domain family member 24; plus strand). Cytogenetic location: 16p13.3.
Variant type: single nucleotide variant.
Coding change: c.1601A>G on transcript NM_001199107.2 (MANE Select); coding-DNA position 1601, A replaced by G.
Protein change: p.Asn534Ser; replaces asparagine 534 with serine.
Molecular consequence: missense variant.
Genome position (GRCh38, 1-based): chr16:2,500,879, A>G. VCF-style: chr16-2500879-A-G. GRCh37 (hg19) VCF-style: chr16-2550880-A-G.
Other names: c.1583A>G, p.Asn528Ser (NM_020705.3); short protein forms N528S, N534S.
Identifiers: ClinVar variation 1978371 (VCV001978371.4), dbSNP rs758431838, ClinGen allele CA7844357.